The following is an entry in ClinVar:

ClinVar aggregate classification (germline): Uncertain significance (1 of 4 stars; one submission).

Conditions:
Immunodeficiency. Identifiers: MedGen C0021051, MONDO:0021094, HP:0002721.

Allele frequency attached by ClinVar (database versions not stated): ExAC 0.00003.
gnomAD v4.1: 24 of 1,614,238 alleles (0.0015%); highest among the groups gnomAD compares: Non-Finnish European, 0.002%; no homozygotes.

Submission:

Labcorp Genetics (formerly Invitae), Labcorp
Classification: Uncertain significance for Immunodeficiency. Last evaluated: 2023-12-11. Review status: criteria provided, single submitter. Criteria: Invitae Variant Classification Sherloc (09022015). Collection method: clinical testing. Allele origin: germline.
Comment: This sequence change replaces glutamine, which is neutral and polar, with lysine, which is basic and polar, at codon 1261 of the NFAT5 protein (p.Gln1261Lys). This variant is present in population databases (rs764420444, gnomAD 0.004%). This variant has not been reported in the literature in individuals affected with NFAT5-related conditions. An algorithm developed to predict the effect of missense changes on protein structure and function (PolyPhen-2) suggests that this variant is likely to be tolerated. In summary, the available evidence is currently insufficient to determine the role of this variant in disease. Therefore, it has been classified as a Variant of Uncertain Significance.

NM_138713.4(NFAT5):c.4063C>A (p.Gln1355Lys)

Gene: NFAT5 (nuclear factor of activated T cells 5; plus strand). Cytogenetic location: 16q22.1.
Variant type: single nucleotide variant.
Coding change: c.4063C>A on transcript NM_138713.4 (MANE Select); coding-DNA position 4063, C replaced by A.
Protein change: p.Gln1355Lys; replaces glutamine 1355 with lysine.
Molecular consequence: missense variant.
Genome position (GRCh38, 1-based): chr16:69,693,888, C>A. VCF-style: chr16-69693888-C-A. GRCh37 (hg19) VCF-style: chr16-69727791-C-A.
Other names: c.4060C>A, p.Gln1354Lys (NM_001113178.3); c.3388C>A, p.Gln1130Lys (NM_001367709.1); c.4009C>A, p.Gln1337Lys (NM_006599.4); c.3781C>A, p.Gln1261Lys (NM_138714.4, NM_173214.3, NM_173215.3); short protein forms Q1130K, Q1261K, Q1337K, Q1354K, Q1355K.
Identifiers: ClinVar variation 2829654 (VCV002829654.3), dbSNP rs764420444, ClinGen allele CA8135999.